The following is an entry in ClinVar:

ClinVar aggregate classification (germline): Uncertain significance. Review status: reviewed by expert panel (3 of 4 stars). 5 submissions from 5 submitters: Uncertain significance (1). 4 of the submissions do not count toward it. Last evaluated 2025-02-11.

Conditions:
Macrothrombocytopenia. Identifiers: MedGen C2751260, HP:0040185.
Bernard Soulier syndrome (BSS). Also called: GLYCOPROTEIN Ib, PLATELET, DEFICIENCY OF; Giant platelet syndrome; Hemorrhagiparous thrombocytic dystrophy; Giant platelet disease; VON WILLEBRAND FACTOR RECEPTOR DEFICIENCY; BLEEDING DISORDER, PLATELET-TYPE, 1. Identifiers: Orphanet 274, MedGen C0005129, MeSH D001606, MONDO:0009276, OMIM 231200.

Allele frequency attached by ClinVar (database versions not stated): gnomAD 0.00003 and 0.00004; TOPMed 0.00004; gnomAD exomes 0.00005; 1000 Genomes Project 30x 0.00016; 1000 Genomes Project 0.00040.

Submissions (5):

ClinGen Platelet Disorders Variant Curation Expert Panel, ClinGen
Classification: Uncertain significance for Bernard Soulier syndrome. Last evaluated: 2025-02-11. Review status: reviewed by expert panel. Criteria: ClinGen Platelet ACMG Specifications GP1BB V1.0.0. Collection method: curation. Allele origin: germline. Inheritance: Autosomal recessive inheritance.
Comment: The c.127G>T variant in GP1BB is a missense variant predicted to cause substitution of Glycine by Tryptophan at amino acid 43 (p.Gly43Trp). The computational predictor REVEL gives a score of 0.887, which is above the ClinGen PD VCEP threshold of >0.773 and predicts a damaging effect on function (PP3_Moderate). Patient BSS64 (PMID: 24934643) is reported homozygous (PM3_supporting). In summary, this variant meets the criteria to be classified as Uncertain significance - insufficient evidence for autosomal recessive Bernard-Soulier syndrome based on the ACMG/AMP criteria applied, as specified by the ClinGen PD VCEP: PP3_Moderate, PM2_supporting.

Center for Genomic Medicine, Rigshospitalet, Copenhagen University Hospital
Classification: Uncertain significance. Last evaluated: 2025-12-29. Review status: criteria provided, single submitter. Criteria: ACMG Guidelines, 2015. Collection method: clinical testing. Allele origin: germline. Not counted in ClinVar's aggregate classification.
Comment: Classification criteria: PS3_Supporting, PM3, PP3_Moderate

Blueprint Genetics
Classification: Uncertain significance. Last evaluated: 2023-07-13. Review status: criteria provided, single submitter. Criteria: ACMG Guidelines, 2015. Collection method: clinical testing. Allele origin: germline. Not counted in ClinVar's aggregate classification.

ISTH-SSC Genomics in Thrombosis and Hemostasis, KU Leuven, Center for Molecular and Vascular Biology
Classification: Uncertain significance for Macrothrombocytopenia. Review status: no assertion criteria provided. Collection method: research. Allele origin: unknown. Affected: yes. Not counted in ClinVar's aggregate classification.
Comment: Submitted to GoldVariant by Dr Marie-Christine Morel-Kopp from Northern Blood Research Centre, Sydney, Australia

NIHR Bioresource Rare Diseases, University of Cambridge
Classification: Likely pathogenic for Macrothrombocytopenia. Review status: no assertion criteria provided. Collection method: research. Allele origin: unknown. Affected: yes. Observed: 1 variant allele. Not counted in ClinVar's aggregate classification.

Literature cited by the submitters: PubMed 32581362 (cited by NIHR Bioresource Rare Diseases, University of Cambridge).

NM_000407.5(GP1BB):c.127G>T (p.Gly43Trp)

Genes: GP1BB (glycoprotein Ib platelet subunit beta; plus strand), SEPT5-GP1BB (SEPT5-GP1BB readthrough; plus strand). Cytogenetic location: 22q11.21.
Variant type: single nucleotide variant.
Coding change: c.127G>T on transcript NM_000407.5 (MANE Select); coding-DNA position 127, G replaced by T.
Protein change: p.Gly43Trp; replaces glycine 43 with tryptophan.
Molecular consequence: missense variant. On other transcripts: non-coding transcript variant (2).
Genome position (GRCh38, 1-based): chr22:19,723,970, G>T. VCF-style: chr22-19723970-G-T. GRCh37 (hg19) VCF-style: chr22-19711493-G-T.
Other names: NM_000407.5(GP1BB):c.127G>T; p.Gly43Trp; short protein forms G43W.
Identifiers: ClinVar variation 812970 (VCV000812970.5), dbSNP rs551140561, ClinGen allele CA10102316.